The following is an entry in ClinVar:

ClinVar aggregate classification (germline): Uncertain significance (1 of 4 stars; one submission).

gnomAD v4.1: 1 of 1,540,860 alleles (0.000065%); highest among the groups gnomAD compares: African/African-American, 0.0014%; no homozygotes.

Submission:

Mayo Clinic Laboratories, Mayo Clinic
Classification: Uncertain significance. Last evaluated: 2025-09-06. Review status: criteria provided, single submitter. Criteria: ACMG Guidelines, 2015. Collection method: clinical testing. Allele origin: germline. Observed: 1 variant allele.
Comment: PM2_supporting

NM_001846.4(COL4A2):c.2348C>A (p.Pro783Gln)

Gene: COL4A2 (collagen type IV alpha 2 chain; plus strand). Cytogenetic location: 13q34.
Variant type: single nucleotide variant.
Coding change: c.2348C>A on transcript NM_001846.4 (MANE Select); coding-DNA position 2348, C replaced by A.
Protein change: p.Pro783Gln; replaces proline 783 with glutamine.
Molecular consequence: missense variant.
Genome position (GRCh38, 1-based): chr13:110,473,073, C>A. VCF-style: chr13-110473073-C-A. GRCh37 (hg19) VCF-style: chr13-111125420-C-A.
Other names: p.Pro783Gln; short protein forms P783Q.
Identifiers: ClinVar variation 4541804 (VCV004541804.1).
Genomic context (GRCh38, chr13:110,473,073, plus strand): 5'-CAGATGGGCCCCCTGGGGAAAGGGGCCTCCCTGGAGAAGTCCTGGGAGCTCAGCCCGGGC[C>A]ACGGGGAGATGCTGGTGTGCCTGGACAGCCTGGGCTTAAAGGCCTTCCCGGAGACAGAGG-3'
Protein context (NP_001837.2, residues 773-793): PGEVLGAQPG[Pro783Gln]RGDAGVPGQP